The following is an entry in ClinVar:

NM_000384.3(APOB):c.11654C>T (p.Ala3885Val)

Gene: APOB (apolipoprotein B; minus strand). Cytogenetic location: 2p24.1.
Variant type: single nucleotide variant.
Coding change: c.11654C>T on transcript NM_000384.3 (MANE Select); coding-DNA position 11654, C replaced by T.
Protein change: p.Ala3885Val; replaces alanine 3885 with valine.
Molecular consequence: missense variant.
Genome position (GRCh38, 1-based): chr2:21,005,214, G>A on the plus strand (C>T on the coding strand, the complement: APOB is on the minus strand). VCF-style: chr2-21005214-G-A. GRCh37 (hg19) VCF-style: chr2-21228086-G-A.
Other names: short protein forms A3885V.
Identifiers: ClinVar variation 2565879 (VCV002565879.2), dbSNP rs1663093817, ClinGen allele CA345977848.
Genomic context (GRCh38, chr2:21,005,214, plus strand): 5'-TTGTTTTTCAAACTGGCACTCCAAGTGGCATTATACACGGGAGAGTCTACCTCAAAGCGT[G>A]CAGTCAGTGCTTGAAAGGAAGGAATGACAATTCCAGCAGGTACAGAGAACTTAATGGAGG-3'
Protein context (NP_000375.3, residues 3875-3895): IVIPSFQALT[Ala3885Val]RFEVDSPVYN

ClinVar aggregate classification (germline): Uncertain significance (1 of 4 stars; one submission).

Conditions:
Cardiovascular phenotype. Identifiers: MedGen CN230736.

Allele frequency attached by ClinVar (database versions not stated): TOPMed below 0.00001; gnomAD exomes 0.00001.
gnomAD v4.1: 3 of 1,614,054 alleles (0.00019%); highest among the groups gnomAD compares: Non-Finnish European, 0.00025%; no homozygotes.

Submission:

Ambry Genetics
Classification: Uncertain significance for Cardiovascular phenotype. Last evaluated: 2023-05-29. Review status: criteria provided, single submitter. Criteria: Ambry Variant Classification Scheme 2023. Collection method: clinical testing. Allele origin: germline.
Comment: The p.A3885V variant (also known as c.11654C>T), located in coding exon 26 of the APOB gene, results from a C to T substitution at nucleotide position 11654. The alanine at codon 3885 is replaced by valine, an amino acid with similar properties. This amino acid position is conserved. In addition, this alteration is predicted to be tolerated by in silico analysis. Since supporting evidence is limited at this time, the clinical significance of this alteration remains unclear.